The following is an entry in ClinVar:

ClinVar aggregate classification (germline): Benign. Review status: criteria provided, multiple submitters, no conflicts (2 of 4 stars). 3 submissions from 3 submitters: Benign (2). 1 of the submissions does not count toward it. Last evaluated 2019-12-31.

Conditions:
CRIM1-related disorder. Also called: CRIM1-related condition.

Allele frequency attached by ClinVar (database versions not stated): gnomAD exomes 0.00248 and 0.00680; ExAC 0.00765; 1000 Genomes Project 0.02376; gnomAD 0.02377 and 0.02542; 1000 Genomes Project 30x 0.02452; ESP Exome Variant Server 0.02614; TOPMed 0.02674.
gnomAD v4.1: 7,419 of 1,612,940 alleles (0.46%); highest among the groups gnomAD compares: African/African-American, 8.2%; 280 homozygotes.

Submissions (3):

Labcorp Genetics (formerly Invitae), Labcorp
Classification: Benign. Last evaluated: 2019-12-31. Review status: criteria provided, single submitter. Criteria: Invitae Variant Classification Sherloc (09022015). Collection method: clinical testing. Allele origin: germline.

Breakthrough Genomics
Classification: Benign. Review status: criteria provided, single submitter. Criteria: ACMG Guidelines, 2015. Collection method: not provided. Allele origin: germline. Inheritance: Unknown mechanism. Affected: yes.

PreventionGenetics, part of Exact Sciences
Classification: Benign for CRIM1-related condition. Last evaluated: 2019-06-13. Review status: no assertion criteria provided. Collection method: clinical testing. Allele origin: germline. Not counted in ClinVar's aggregate classification.
Comment: This variant is classified as benign based on ACMG/AMP sequence variant interpretation guidelines (Richards et al. 2015 PMID: 25741868, with internal and published modifications).

NM_016441.3(CRIM1):c.1501+10C>G

Gene: CRIM1 (cysteine rich transmembrane BMP regulator 1). Cytogenetic location: 2p22.2.
Variant type: single nucleotide variant.
Coding change: c.1501+10C>G on transcript NM_016441.3 (MANE Select); 10 bases into the intron after coding-DNA position 1501, C replaced by G.
Molecular consequence: intron variant.
Genome position (GRCh38, 1-based): chr2:36,499,357, C>G. VCF-style: chr2-36499357-C-G. GRCh37 (hg19) VCF-style: chr2-36726500-C-G.
Identifiers: ClinVar variation 775710 (VCV000775710.7), dbSNP rs59890798, ClinGen allele CA1610230.